The following is an entry in ClinVar:

ClinVar aggregate classification (germline): Uncertain significance (1 of 4 stars; one submission).

Conditions:
DICER1-related tumor predisposition. Also called: DICER1-related pleuropulmonary blastoma cancer predisposition syndrome; DICER1 syndrome. Identifiers: Orphanet 284343, MedGen C3839822, MONDO:0100216.

Submission:

Labcorp Genetics (formerly Invitae), Labcorp
Classification: Uncertain significance for DICER1-related tumor predisposition. Last evaluated: 2022-02-28. Review status: criteria provided, single submitter. Criteria: Invitae Variant Classification Sherloc (09022015). Collection method: clinical testing. Allele origin: germline.
Comment: This sequence change replaces lysine, which is basic and polar, with asparagine, which is neutral and polar, at codon 1249 of the DICER1 protein (p.Lys1249Asn). This variant is not present in population databases (gnomAD no frequency). This variant has not been reported in the literature in individuals affected with DICER1-related conditions. Algorithms developed to predict the effect of missense changes on protein structure and function (SIFT, PolyPhen-2, Align-GVGD) all suggest that this variant is likely to be tolerated. In summary, the available evidence is currently insufficient to determine the role of this variant in disease. Therefore, it has been classified as a Variant of Uncertain Significance.

NM_177438.3(DICER1):c.3747A>T (p.Lys1249Asn)

Gene: DICER1 (dicer 1, ribonuclease III; minus strand). Cytogenetic location: 14q32.13.
Variant type: single nucleotide variant.
Coding change: c.3747A>T on transcript NM_177438.3 (MANE Select); coding-DNA position 3747, A replaced by T.
Protein change: p.Lys1249Asn; replaces lysine 1249 with asparagine.
Molecular consequence: missense variant. On other transcripts: non-coding transcript variant (6).
Genome position (GRCh38, 1-based): chr14:95,103,649, T>A on the plus strand (A>T on the coding strand, the complement: DICER1 is on the minus strand). VCF-style: chr14-95103649-T-A. GRCh37 (hg19) VCF-style: chr14-95569986-T-A.
Other names: c.3747A>T, p.Lys1249Asn (NM_001195573.1, NM_001271282.3, NM_001291628.2 and 13 more transcripts); c.3465A>T, p.Lys1155Asn (NM_001395686.1); c.3342A>T, p.Lys1114Asn (NM_001395687.1, NM_001395688.1, NM_001395689.1 and 2 more transcripts); c.3180A>T, p.Lys1060Asn (NM_001395691.1); c.2064A>T, p.Lys688Asn (NM_001395697.1); short protein forms K1114N, K1060N, K1155N, K1249N, K688N.
Identifiers: ClinVar variation 2033145 (VCV002033145.4), dbSNP rs2139960635, ClinGen allele CA390874190.
Genomic context (GRCh38, chr14:95,103,649, plus strand): 5'-TTGAATAGTGTCTGTCGTACCAGGCATTACGGCCATCACAGGACTTCCATCTGAGGTAGA[T>A]TTGTTAGCATTTCCATCAAGGTATTTATTACTCAGGAGAGTACATTCATCGCTGGGCTGG-3'
Protein context (NP_803187.1, residues 1239-1259): SNKYLDGNAN[Lys1249Asn]STSDGSPVMA